The following is an entry in ClinVar:

NM_002184.4(IL6ST):c.1553-3C>A

Gene: IL6ST (interleukin 6 cytokine family signal transducer; minus strand). Cytogenetic location: 5q11.2.
Variant type: single nucleotide variant.
Coding change: c.1553-3C>A on transcript NM_002184.4 (MANE Select); 3 bases into the intron before coding-DNA position 1553, C replaced by A.
Molecular consequence: intron variant.
Genome position (GRCh38, 1-based): chr5:55,952,078, G>T on the plus strand (C>A on the coding strand, the complement: IL6ST is on the minus strand). VCF-style: chr5-55952078-G-T. GRCh37 (hg19) VCF-style: chr5-55247906-G-T.
Other names: c.1343-3C>A (NM_001364276.2); c.557-3C>A (NM_001364279.2); c.650-3C>A (NM_001364278.2); c.686-3C>A (NM_001364277.2); c.*480-3C>A (NM_175767.3); c.1370-3C>A (NM_001190981.2); c.1451-3C>A (NM_001364275.2).
Identifiers: ClinVar variation 3689426 (VCV003689426.2).
Genomic context (GRCh38, chr5:55,952,078, plus strand): 5'-AAGACAGCTTCGTTTTTCCCTACTTTTTTTGTCCGAACAGTAGGTCCTTTGGAAGGTGCT[G>T]TAACAGAGTGAACACATTTGCTAACTGAAAATCATTTACAATCTAGTAAAATTTCCTTGT-3'

ClinVar aggregate classification (germline): Uncertain significance (1 of 4 stars; one submission).

gnomAD v4.1: 1 of 1,606,958 alleles (0.000062%); highest among the groups gnomAD compares: Admixed American, 0.0017%; no homozygotes.

Submission:

Labcorp Genetics (formerly Invitae), Labcorp
Classification: Uncertain significance. Last evaluated: 2024-03-12. Review status: criteria provided, single submitter. Criteria: Invitae Variant Classification Sherloc (09022015). Collection method: clinical testing. Allele origin: germline.
Comment: This sequence change falls in intron 12 of the IL6ST gene. It does not directly change the encoded amino acid sequence of the IL6ST protein. It affects a nucleotide within the consensus splice site. This variant is present in population databases (rs767953259, gnomAD 0.003%). This variant has not been reported in the literature in individuals affected with IL6ST-related conditions. Variants that disrupt the consensus splice site are a relatively common cause of aberrant splicing (PMID: 17576681, 9536098). Algorithms developed to predict the effect of sequence changes on RNA splicing suggest that this variant may disrupt the consensus splice site. In summary, the available evidence is currently insufficient to determine the role of this variant in disease. Therefore, it has been classified as a Variant of Uncertain Significance.

Literature cited by the submitters: PubMed 17576681; PubMed 9536098.